The following is an entry in ClinVar:

NM_001844.5(COL2A1):c.1505C>T (p.Pro502Leu)

Gene: COL2A1 (collagen type II alpha 1 chain; minus strand). Cytogenetic location: 12q13.11.
Variant type: single nucleotide variant.
Coding change: c.1505C>T on transcript NM_001844.5 (MANE Select); coding-DNA position 1505, C replaced by T.
Protein change: p.Pro502Leu; replaces proline 502 with leucine.
Molecular consequence: missense variant.
Genome position (GRCh38, 1-based): chr12:47,986,358, G>A on the plus strand (C>T on the coding strand, the complement: COL2A1 is on the minus strand). VCF-style: chr12-47986358-G-A. GRCh37 (hg19) VCF-style: chr12-48380141-G-A.
Other names: c.1298C>T, p.Pro433Leu (NM_033150.3); short protein forms P433L, P502L.
Identifiers: ClinVar variation 951498 (VCV000951498.23), dbSNP rs904660062, ClinGen allele CA236527639.

ClinVar aggregate classification (germline): Conflicting classifications of pathogenicity. Review status: criteria provided, conflicting classifications (1 of 4 stars). 7 submissions from 7 submitters: Uncertain significance (2); Likely benign (2). 3 of the submissions do not count toward it. Last evaluated 2026-01-05.

Conditions:
COL2A1-related disorder. Also called: COL2A1-related condition; COL2A1-related disorders.

Allele frequency attached by ClinVar (database versions not stated): gnomAD exomes below 0.00001 and 0.00001; TOPMed 0.00002.

Submissions (7):

Labcorp Genetics (formerly Invitae), Labcorp
Classification: Likely benign. Last evaluated: 2026-01-05. Review status: criteria provided, single submitter. Criteria: Invitae Variant Classification Sherloc (09022015). Collection method: clinical testing. Allele origin: germline.

Blueprint Genetics
Classification: Likely benign. Last evaluated: 2024-11-19. Review status: criteria provided, single submitter. Criteria: ACMG Guidelines, 2015. Collection method: clinical testing. Allele origin: germline.

GeneDx
Classification: Uncertain significance. Last evaluated: 2024-03-24. Review status: criteria provided, single submitter. Criteria: GeneDx Variant Classification Process June 2021. Collection method: clinical testing. Allele origin: germline. Affected: yes.
Comment: Has not been previously published as pathogenic or benign to our knowledge; In silico analysis supports that this missense variant has a deleterious effect on protein structure/function; Occurs in the triple helical domain at the X position in the canonical Gly-X-Y repeat; although this variant may have an effect on normal protein folding and function, missense substitution at the X position is not a common mechanism of disease (HGMD)

ARUP Laboratories, Molecular Genetics and Genomics, ARUP Laboratories
Classification: Uncertain significance. Last evaluated: 2020-06-24. Review status: criteria provided, single submitter. Criteria: ARUP Molecular Germline Variant Investigation Process. Collection method: clinical testing. Allele origin: germline.
Comment: The COL2A1 c.1505C>T; p.Pro502Leu variant (rs904660062), to our knowledge, is not reported in the medical literature but is reported in the Leiden open variation database (see link). This variant is only observed on one allele in the Genome Aggregation Database, indicating it is not a common polymorphism. The proline at codon 502 is highly conserved, but computational analyses (SIFT, PolyPhen-2) predict that this variant is tolerated. Due to limited information, the clinical significance of the p.Pro502Leu variant is uncertain at this time. References: Link to Leiden open variation database

PreventionGenetics, part of Exact Sciences
Classification: Uncertain significance for COL2A1-related condition. Last evaluated: 2024-05-29. Review status: no assertion criteria provided. Collection method: clinical testing. Allele origin: germline. Not counted in ClinVar's aggregate classification.
Comment: The COL2A1 c.1505C>T variant is predicted to result in the amino acid substitution p.Pro502Leu. To our knowledge, this variant has not been reported in the literature. This variant is reported in 0.0075% of alleles in individuals of East Asian descent in gnomAD. At this time, the clinical significance of this variant is uncertain due to the absence of conclusive functional and genetic evidence.

Clinical Genetics, Academic Medical Center
Classification: Uncertain significance. Review status: no assertion criteria provided. Collection method: clinical testing. Allele origin: germline. Affected: yes. Study: VKGL Data-share Consensus. Not counted in ClinVar's aggregate classification.

Laboratory of Diagnostic Genome Analysis, Leiden University Medical Center (LUMC)
Classification: Uncertain significance. Review status: no assertion criteria provided. Collection method: clinical testing. Allele origin: germline. Affected: yes. Study: VKGL Data-share Consensus. Not counted in ClinVar's aggregate classification.